The following is an entry in ClinVar:

NM_005529.7(HSPG2):c.13025C>T (p.Thr4342Met)

Genes: HSPG2 (heparan sulfate proteoglycan 2; minus strand), LDLRAD2 (low density lipoprotein receptor class A domain containing 2; plus strand). Cytogenetic location: 1p36.12.
Variant type: single nucleotide variant.
Coding change: c.13025C>T on transcript NM_005529.7 (MANE Select); coding-DNA position 13025, C replaced by T.
Protein change: p.Thr4342Met; replaces threonine 4342 with methionine.
Molecular consequence: missense variant. On other transcripts: 3 prime UTR variant (1).
Genome position (GRCh38, 1-based): chr1:21,823,467, G>A on the plus strand (C>T on the coding strand, the complement: HSPG2 is on the minus strand). VCF-style: chr1-21823467-G-A. GRCh37 (hg19) VCF-style: chr1-22149960-G-A.
Other names: c.13028C>T, p.Thr4343Met (NM_001291860.2); c.*1252G>A (NM_001013693.3); short protein forms T4342M, T4343M.
Identifiers: ClinVar variation 1005764 (VCV001005764.9), dbSNP rs772087950, ClinGen allele CA669148.

ClinVar aggregate classification (germline): Conflicting classifications of pathogenicity. Review status: criteria provided, conflicting classifications (1 of 4 stars). 2 submissions from 2 submitters: Uncertain significance (1); Likely benign (1). Last evaluated 2024-02-05.

Allele frequency attached by ClinVar (database versions not stated): gnomAD 0.00001; gnomAD exomes 0.00001; TOPMed 0.00001; ExAC 0.00002.
gnomAD v4.1: 11 of 1,598,594 alleles (0.00069%); highest among the groups gnomAD compares: African/African-American, 0.004%; no homozygotes.

Submissions (2):

Labcorp Genetics (formerly Invitae), Labcorp
Classification: Uncertain significance. Last evaluated: 2024-02-05. Review status: criteria provided, single submitter. Criteria: Invitae Variant Classification Sherloc (09022015). Collection method: clinical testing. Allele origin: germline.
Comment: This sequence change replaces threonine, which is neutral and polar, with methionine, which is neutral and non-polar, at codon 4342 of the HSPG2 protein (p.Thr4342Met). The frequency data for this variant in the population databases is considered unreliable, as metrics indicate poor data quality at this position in the gnomAD database. This variant has not been reported in the literature in individuals affected with HSPG2-related conditions. ClinVar contains an entry for this variant (Variation ID: 1005764). Algorithms developed to predict the effect of missense changes on protein structure and function output the following: SIFT: "Not Available"; PolyPhen-2: "Benign"; Align-GVGD: "Not Available". The methionine amino acid residue is found in multiple mammalian species, which suggests that this missense change does not adversely affect protein function. In summary, the available evidence is currently insufficient to determine the role of this variant in disease. Therefore, it has been classified as a Variant of Uncertain Significance.

Blueprint Genetics
Classification: Likely benign. Last evaluated: 2023-05-03. Review status: criteria provided, single submitter. Criteria: ACMG Guidelines, 2015. Collection method: clinical testing. Allele origin: germline.